The following is an entry in ClinVar:

NM_138295.5(PKD1L1):c.1031C>T (p.Ala344Val)

Gene: PKD1L1 (polycystin 1 like 1, transient receptor potential channel interacting; minus strand). Cytogenetic location: 7p12.3.
Variant type: single nucleotide variant.
Coding change: c.1031C>T on transcript NM_138295.5 (MANE Select); coding-DNA position 1031, C replaced by T.
Protein change: p.Ala344Val; replaces alanine 344 with valine.
Molecular consequence: missense variant.
Genome position (GRCh38, 1-based): chr7:47,929,233, G>A on the plus strand (C>T on the coding strand, the complement: PKD1L1 is on the minus strand). VCF-style: chr7-47929233-G-A. GRCh37 (hg19) VCF-style: chr7-47968830-G-A.
Other names: short protein forms A344V.
Identifiers: ClinVar variation 743102 (VCV000743102.12), dbSNP rs146712857, ClinGen allele CA4254178.

ClinVar aggregate classification (germline): Likely benign. Review status: criteria provided, multiple submitters, no conflicts (2 of 4 stars). 5 submissions from 5 submitters: Likely benign (2). 3 of the submissions do not count toward it. Last evaluated 2024-02-01.

Conditions:
PKD1L1-related disorder. Also called: PKD1L1-related condition.
Inborn genetic diseases. Identifiers: MedGen C0950123, MeSH D030342.

Allele frequency attached by ClinVar (database versions not stated): gnomAD exomes 0.00012 and 0.00034; ExAC 0.00038; gnomAD 0.00123 and 0.00134; 1000 Genomes Project 0.00120; ESP Exome Variant Server 0.00123; TOPMed 0.00146; 1000 Genomes Project 30x 0.00141.
gnomAD v4.1: 357 of 1,614,056 alleles (0.022%); highest among the groups gnomAD compares: African/African-American, 0.42%; no homozygotes.

Submissions (5):

Labcorp Genetics (formerly Invitae), Labcorp
Classification: Likely benign. Last evaluated: 2024-02-01. Review status: criteria provided, single submitter. Criteria: Invitae Variant Classification Sherloc (09022015). Collection method: clinical testing. Allele origin: germline.

Ambry Genetics
Classification: Likely benign for Inborn genetic diseases. Last evaluated: 2021-09-15. Review status: criteria provided, single submitter. Criteria: Ambry Variant Classification Scheme 2023. Collection method: clinical testing. Allele origin: germline.

PreventionGenetics, part of Exact Sciences
Classification: Likely benign for PKD1L1-related condition. Last evaluated: 2022-07-26. Review status: no assertion criteria provided. Collection method: clinical testing. Allele origin: germline. Not counted in ClinVar's aggregate classification.
Comment: This variant is classified as likely benign based on ACMG/AMP sequence variant interpretation guidelines (Richards et al. 2015 PMID: 25741868, with internal and published modifications).

Joint Genome Diagnostic Labs from Nijmegen and Maastricht, Radboudumc and MUMC+
Classification: Likely benign. Review status: no assertion criteria provided. Collection method: clinical testing. Allele origin: germline. Affected: yes. Study: VKGL Data-share Consensus. Not counted in ClinVar's aggregate classification.

Laboratory of Diagnostic Genome Analysis, Leiden University Medical Center (LUMC)
Classification: Likely benign. Review status: no assertion criteria provided. Collection method: clinical testing. Allele origin: germline. Affected: yes. Study: VKGL Data-share Consensus. Not counted in ClinVar's aggregate classification.